The following is an entry in ClinVar:

NM_024675.4(PALB2):c.2087C>A (p.Thr696Lys)

Gene: PALB2 (partner and localizer of BRCA2; minus strand). Cytogenetic location: 16p12.2.
Variant type: single nucleotide variant.
Coding change: c.2087C>A on transcript NM_024675.4 (MANE Select); coding-DNA position 2087, C replaced by A.
Protein change: p.Thr696Lys; replaces threonine 696 with lysine.
Molecular consequence: missense variant.
Genome position (GRCh38, 1-based): chr16:23,630,067, G>T on the plus strand (C>A on the coding strand, the complement: PALB2 is on the minus strand). VCF-style: chr16-23630067-G-T. GRCh37 (hg19) VCF-style: chr16-23641388-G-T.
Other names: short protein forms T696K.
Identifiers: ClinVar variation 1061301 (VCV001061301.10), dbSNP rs587780820, ClinGen allele CA395125827.

ClinVar aggregate classification (germline): Uncertain significance (1 of 4 stars; one submission).

Conditions:
Familial cancer of breast. Also called: Hereditary breast cancer; BREAST CANCER, FAMILIAL; hereditary breast carcinoma. Identifiers: Orphanet 227535, MedGen C0346153, MONDO:0016419, OMIM 114480. Disease mechanism: loss of function.

Submission:

Labcorp Genetics (formerly Invitae), Labcorp
Classification: Uncertain significance for Familial cancer of breast. Last evaluated: 2022-02-20. Review status: criteria provided, single submitter. Criteria: Invitae Variant Classification Sherloc (09022015). Collection method: clinical testing. Allele origin: germline.
Comment: This variant has not been reported in the literature in individuals affected with PALB2-related conditions. This variant is not present in population databases (gnomAD no frequency). This sequence change replaces threonine, which is neutral and polar, with lysine, which is basic and polar, at codon 696 of the PALB2 protein (p.Thr696Lys). ClinVar contains an entry for this variant (Variation ID: 1061301). In summary, the available evidence is currently insufficient to determine the role of this variant in disease. Therefore, it has been classified as a Variant of Uncertain Significance. Algorithms developed to predict the effect of missense changes on protein structure and function output the following: SIFT: "Tolerated"; PolyPhen-2: "Benign"; Align-GVGD: "Class C0". The lysine amino acid residue is found in multiple mammalian species, which suggests that this missense change does not adversely affect protein function.